The following is an entry in ClinVar:

ClinVar aggregate classification (germline): Uncertain significance (1 of 4 stars; one submission).

Conditions:
Microcephaly, normal intelligence and immunodeficiency (NBS). Also called: Immunodeficiency, microcephaly with normal intelligence; Nijmegen breakage syndrome; Microcephaly with normal intelligence immunodeficiency and lymphoreticular malignancies; Nonsyndromal microcephaly autosomal recessive with normal intelligence; Seemanova syndrome 2; BERLIN BREAKAGE SYNDROME. Identifiers: Orphanet 647, MedGen C0398791, MONDO:0009623, OMIM 251260.

Submission:

Labcorp Genetics (formerly Invitae), Labcorp
Classification: Uncertain significance for Microcephaly, normal intelligence and immunodeficiency. Last evaluated: 2021-09-01. Review status: criteria provided, single submitter. Criteria: Invitae Variant Classification Sherloc (09022015). Collection method: clinical testing. Allele origin: germline.
Comment: This sequence change replaces aspartic acid with asparagine at codon 525 of the NBN protein (p.Asp525Asn). The aspartic acid residue is weakly conserved and there is a small physicochemical difference between aspartic acid and asparagine. This variant is not present in population databases (ExAC no frequency). This variant has not been reported in the literature in individuals affected with NBN-related conditions. Algorithms developed to predict the effect of missense changes on protein structure and function output the following: SIFT: "Tolerated"; PolyPhen-2: "Benign"; Align-GVGD: "Class C0". The asparagine amino acid residue is found in multiple mammalian species, which suggests that this missense change does not adversely affect protein function. In summary, the available evidence is currently insufficient to determine the role of this variant in disease. Therefore, it has been classified as a Variant of Uncertain Significance.

NM_002485.5(NBN):c.1573G>A (p.Asp525Asn)

Gene: NBN (nibrin; minus strand). Cytogenetic location: 8q21.3.
Variant type: single nucleotide variant.
Coding change: c.1573G>A on transcript NM_002485.5 (MANE Select); coding-DNA position 1573, G replaced by A.
Protein change: p.Asp525Asn; replaces aspartic acid 525 with asparagine.
Molecular consequence: missense variant.
Genome position (GRCh38, 1-based): chr8:89,953,516, C>T on the plus strand (G>A on the coding strand, the complement: NBN is on the minus strand). VCF-style: chr8-89953516-C-T. GRCh37 (hg19) VCF-style: chr8-90965744-C-T.
Other names: c.1327G>A, p.Asp443Asn (NM_001024688.3); short protein forms D443N, D525N.
Identifiers: ClinVar variation 1947602 (VCV001947602.2), dbSNP rs2488232348, ClinGen allele CA371655566.
Genomic context (GRCh38, chr8:89,953,516, plus strand): 5'-GCTTTTCTGCAGCATGAGATTTACTGGCAGAATTTTTCACAATAGATTTTAAATCTGTAT[C>T]TGTAAATAAGTTATTGTCTGAGTTTGTGTCCACAGGCTCATTCTCAGATAGATGCTGCTC-3'
Protein context (NP_002476.2, residues 515-535): DTNSDNNLFT[Asp525Asn]TDLKSIVKNS